The following is an entry in ClinVar:

ClinVar aggregate classification (germline): Uncertain significance (1 of 4 stars; one submission).

Conditions:
Primary ciliary dyskinesia. Also called: Ciliary dyskinesia. Identifiers: Orphanet 244, MedGen C0008780, MONDO:0016575, HP:0012265.

gnomAD v4.1: 2 of 1,614,014 alleles (0.00012%); highest among the groups gnomAD compares: Non-Finnish European, 0.00017%; no homozygotes.

Submission:

Labcorp Genetics (formerly Invitae), Labcorp
Classification: Uncertain significance for Primary ciliary dyskinesia. Last evaluated: 2021-09-02. Review status: criteria provided, single submitter. Criteria: Invitae Variant Classification Sherloc (09022015). Collection method: clinical testing. Allele origin: germline.
Comment: This sequence change falls in intron 3 of the CCDC103 gene. It does not directly change the encoded amino acid sequence of the CCDC103 protein. It affects a nucleotide within the consensus splice site of the intron. This variant is not present in population databases (ExAC no frequency). This variant has not been reported in the literature in individuals affected with CCDC103-related conditions. Variants that disrupt the consensus splice site are a relatively common cause of aberrant splicing (PMID: 17576681, 9536098). Algorithms developed to predict the effect of sequence changes on RNA splicing suggest that this variant is not likely to affect RNA splicing. In summary, the available evidence is currently insufficient to determine the role of this variant in disease. Therefore, it has been classified as a Variant of Uncertain Significance.

Literature cited by the submitters: PubMed 17576681; PubMed 9536098.

NM_213607.3(DNAAF19):c.276+4G>T

Gene: DNAAF19 (dynein axonemal assembly factor 19; plus strand). Cytogenetic location: 17q21.31.
Variant type: single nucleotide variant.
Coding change: c.276+4G>T on transcript NM_213607.3 (MANE Select); 4 bases into the intron after coding-DNA position 276, G replaced by T.
Molecular consequence: intron variant. On other transcripts: nonsense (2).
Genome position (GRCh38, 1-based): chr17:44,901,656, G>T. VCF-style: chr17-44901656-G-T. GRCh37 (hg19) VCF-style: chr17-42979024-G-T.
Other names: c.280G>T, p.Glu94Ter (NM_001258398.3); c.280G>T, p.Gly94Ter (NM_001258399.2); c.276+4G>T (NM_001258397.3, NM_001258396.2, NM_001258395.2); short protein forms E94*, G94*.
Identifiers: ClinVar variation 656698 (VCV000656698.6), dbSNP rs373891184, ClinGen allele CA915950153.